The following is an entry in ClinVar:

ClinVar aggregate classification (germline): Pathogenic/Likely pathogenic. Review status: criteria provided, multiple submitters, no conflicts (2 of 4 stars). 4 submissions from 4 submitters: Pathogenic (3); Likely pathogenic (1). Last evaluated 2024-08-02.

Conditions:
Hereditary antithrombin deficiency (AT3D). Also called: Reduced antithrombin III activity; Antithrombin III deficiency; Thrombophilia due to antithrombin III deficiency; Antithrombin deficiency. Identifiers: Orphanet 82, MedGen C0272375, MONDO:0013144, OMIM 613118, HP:0001976.

Allele frequency attached by ClinVar (database versions not stated): gnomAD exomes below 0.00001; gnomAD 0.00001.
gnomAD v4.1: 3 of 1,613,756 alleles (0.00019%); highest among the groups gnomAD compares: Admixed American, 0.0017%; no homozygotes.

Submissions (4):

Mayo Clinic Laboratories, Mayo Clinic
Classification: Pathogenic. Last evaluated: 2024-08-02. Review status: criteria provided, single submitter. Criteria: ACMG Guidelines, 2015. Collection method: clinical testing. Allele origin: germline. Observed: 2 variant alleles.
Comment: PP5, PM2_moderate, PS3_supporting, PS4_moderate, PVS1

Labcorp Genetics (formerly Invitae), Labcorp
Classification: Pathogenic for Hereditary antithrombin deficiency. Last evaluated: 2022-12-30. Review status: criteria provided, single submitter. Criteria: Invitae Variant Classification Sherloc (09022015). Collection method: clinical testing. Allele origin: germline.
Comment: For these reasons, this variant has been classified as Pathogenic. ClinVar contains an entry for this variant (Variation ID: 1455332). This variant is also known as Arg197Stop. This premature translational stop signal has been observed in individual(s) with clinical features of antithrombin III deficiency (PMID: 1360174, 11192751, 18954896). This variant is not present in population databases (gnomAD no frequency). This sequence change creates a premature translational stop signal (p.Arg229*) in the SERPINC1 gene. It is expected to result in an absent or disrupted protein product. Loss-of-function variants in SERPINC1 are known to be pathogenic (PMID: 21264449).

ISTH-SSC Genomics in Thrombosis and Hemostasis, KU Leuven, Center for Molecular and Vascular Biology
Classification: Likely pathogenic for Hereditary antithrombin deficiency. Review status: criteria provided, single submitter. Criteria: ACMG Guidelines, 2015. Collection method: clinical testing. Allele origin: unknown. Affected: yes.
Comment: Submitted to GoldVariant by Kathleen Freson, Center for Molecular and Vascular Biology, Leuven, Belgium

Juno Genomics, Hangzhou Juno Genomics, Inc
Classification: Pathogenic for Hereditary antithrombin deficiency. Review status: criteria provided, single submitter. Criteria: ACMG Guidelines, 2015. Collection method: clinical testing. Allele origin: germline. Affected: yes.
Comment: Null variant in a gene where loss of function (LOF) is a known mechanism of disease.;Absent from controls (or at extremely low frequency if recessive) in Genome Aggregation Database, Exome Sequencing Project, 1000 Genomes Project, or Exome Aggregation Consortium.;The prevalence of the variant in affected individuals is significantly increased compared to the prevalence in controls.

Literature cited by the submitters: PubMed 1360174 (cited by Mayo Clinic Laboratories, Mayo Clinic and Labcorp Genetics (formerly Invitae), Labcorp); PubMed 18954896 (cited by Mayo Clinic Laboratories, Mayo Clinic and Labcorp Genetics (formerly Invitae), Labcorp); PubMed 22398878 (cited by Mayo Clinic Laboratories, Mayo Clinic); PubMed 23910795 (cited by Mayo Clinic Laboratories, Mayo Clinic); PubMed 30975910 (cited by Mayo Clinic Laboratories, Mayo Clinic); PubMed 31030036 (cited by Mayo Clinic Laboratories, Mayo Clinic); PubMed 35626216 (cited by Mayo Clinic Laboratories, Mayo Clinic); PubMed 36624481 (cited by Mayo Clinic Laboratories, Mayo Clinic); PubMed 11192751 (cited by Labcorp Genetics (formerly Invitae), Labcorp); PubMed 21264449 (cited by Labcorp Genetics (formerly Invitae), Labcorp); PubMed 34355501 (cited by ISTH-SSC Genomics in Thrombosis and Hemostasis, KU Leuven, Center for Molecular and Vascular Biology).

NM_000488.4(SERPINC1):c.685C>T (p.Arg229Ter)

Gene: SERPINC1 (serpin family C member 1; minus strand). Cytogenetic location: 1q25.1.
Variant type: single nucleotide variant.
Coding change: c.685C>T on transcript NM_000488.4 (MANE Select); coding-DNA position 685, C replaced by T.
Protein change: p.Arg229Ter; replaces arginine 229 with a stop codon.
Molecular consequence: nonsense.
Genome position (GRCh38, 1-based): chr1:173,910,831, G>A on the plus strand (C>T on the coding strand, the complement: SERPINC1 is on the minus strand). VCF-style: chr1-173910831-G-A. GRCh37 (hg19) VCF-style: chr1-173879969-G-A.
Other names: p.Arg229*; c.541C>T, p.Arg181Ter (NM_001365052.2); c.685C>T, p.Arg229Ter (NM_001386302.1, NM_001386304.1, NM_001386305.1); c.766C>T, p.Arg256Ter (NM_001386303.1); c.469C>T, p.Arg157Ter (NM_001386306.1); short protein forms R157*, R181*, R229*, R256*.
Identifiers: ClinVar variation 1455332 (VCV001455332.10), dbSNP rs1657743081, ClinGen allele CA343775544.
Genomic context (GRCh38, chr1:173,910,831, plus strand): 5'-TAACCAGCACCAGAACAGTGAGCTCATTGATGGCTTCCGAGGGAATGACATCGGTGATTC[G>A]GCCTTCGGTCTTATTGGACACCCATTTGTTGATGGCCGCTCTGGATTGCTCTGCATTTTC-3'